The following is an entry in ClinVar:

ClinVar aggregate classification (germline): Conflicting classifications of pathogenicity. Review status: criteria provided, conflicting classifications (1 of 4 stars). 4 submissions from 4 submitters: Uncertain significance (1); Likely benign (2). 1 of the submissions does not count toward it. Last evaluated 2026-01-04.

Conditions:
PEX14-related disorder. Also called: PEX14-related condition.
Peroxisome biogenesis disorder, complementation group K (CGK). Identifiers: MedGen C1866257, MONDO:0800365.

Allele frequency attached by ClinVar (database versions not stated): ExAC 0.00001; TOPMed 0.00001; gnomAD exomes 0.00002 and 0.00008.
gnomAD v4.1: 117 of 1,614,026 alleles (0.0072%); highest among the groups gnomAD compares: Non-Finnish European, 0.0096%; no homozygotes.

Submissions (4):

Labcorp Genetics (formerly Invitae), Labcorp
Classification: Likely benign for Peroxisome biogenesis disorder, complementation group K. Last evaluated: 2026-01-04. Review status: criteria provided, single submitter. Criteria: Invitae Variant Classification Sherloc (09022015). Collection method: clinical testing. Allele origin: germline.

Blueprint Genetics
Classification: Likely benign. Last evaluated: 2024-09-24. Review status: criteria provided, single submitter. Criteria: ACMG Guidelines, 2015. Collection method: clinical testing. Allele origin: germline.

Eurofins Ntd Llc (ga)
Classification: Uncertain significance. Last evaluated: 2017-07-25. Review status: criteria provided, single submitter. Criteria: EGL Classification Definitions 2015. Collection method: clinical testing. Allele origin: germline. Observed: 2 variant alleles, 2 heterozygotes.

PreventionGenetics, part of Exact Sciences
Classification: Likely benign for PEX14-related condition. Last evaluated: 2021-04-20. Review status: no assertion criteria provided. Collection method: clinical testing. Allele origin: germline. Not counted in ClinVar's aggregate classification.
Comment: This variant is classified as likely benign based on ACMG/AMP sequence variant interpretation guidelines (Richards et al. 2015 PMID: 25741868, with internal and published modifications).

NM_004565.3(PEX14):c.170-4C>A

Gene: PEX14 (peroxisomal biogenesis factor 14; plus strand). Cytogenetic location: 1p36.22.
Variant type: single nucleotide variant.
Coding change: c.170-4C>A on transcript NM_004565.3 (MANE Select); 4 bases into the intron before coding-DNA position 170, C replaced by A.
Molecular consequence: intron variant.
Genome position (GRCh38, 1-based): chr1:10,599,234, C>A. VCF-style: chr1-10599234-C-A. GRCh37 (hg19) VCF-style: chr1-10659291-C-A.
Other names: c.170-4C>A (NM_004565.2).
Identifiers: ClinVar variation 499128 (VCV000499128.15), dbSNP rs764907398, ClinGen allele CA583747.
Genomic context (GRCh38, chr1:10,599,234, plus strand): 5'-TTCTGTTGCAGCTATGGACACTGACAAAAGGTACTCACCTGCAATGATGTCCTCTTCTCC[C>A]CAGGGCTGACAGATGAAGAGATTGATATGGCCTTCCAGCAGTCGGGCACTGCTGCCGATG-3'